The following is an entry in ClinVar:

ClinVar aggregate classification (germline): Uncertain significance (1 of 4 stars; one submission).

Conditions:
Familial thoracic aortic aneurysm and aortic dissection (TAAD). Also called: Thoracic aortic aneurysms and dissections. Identifiers: Orphanet 91387, MedGen C4707243, MONDO:0019625.

Submission:

Ambry Genetics
Classification: Uncertain significance for Familial thoracic aortic aneurysm and aortic dissection. Last evaluated: 2025-08-09. Review status: criteria provided, single submitter. Criteria: Ambry Variant Classification Scheme 2023. Collection method: clinical testing. Allele origin: germline.
Comment: The p.K272R variant (also known as c.815A>G), located in coding exon 5 of the TGFB2 gene, results from an A to G substitution at nucleotide position 815. The lysine at codon 272 is replaced by arginine, an amino acid with highly similar properties. This amino acid position is conserved. In addition, this alteration is predicted to be tolerated by in silico analysis. Based on the available evidence, the clinical significance of this variant remains unclear.

NM_003238.6(TGFB2):c.815A>G (p.Lys272Arg)

Gene: TGFB2 (transforming growth factor beta 2; plus strand). Cytogenetic location: 1q41.
Variant type: single nucleotide variant.
Coding change: c.815A>G on transcript NM_003238.6 (MANE Select); coding-DNA position 815, A replaced by G.
Protein change: p.Lys272Arg; replaces lysine 272 with arginine.
Molecular consequence: missense variant.
Genome position (GRCh38, 1-based): chr1:218,436,030, A>G. VCF-style: chr1-218436030-A-G. GRCh37 (hg19) VCF-style: chr1-218609372-A-G.
Other names: c.899A>G, p.Lys300Arg (NM_001135599.4); short protein forms K272R, K300R.
Identifiers: ClinVar variation 4183545 (VCV004183545.1).
Genomic context (GRCh38, chr1:218,436,030, plus strand): 5'-GTATTGATGGCACCTCCACATATACCAGTGGTGATCAGAAAACTATAAAGTCCACTAGGA[A>G]AAAAAACAGTGGGAAGACCCCACATCTCCTGCTAATGTTATTGCCCTCCTACAGACTTGA-3'
Protein context (NP_003229.1, residues 262-282): GDQKTIKSTR[Lys272Arg]KNSGKTPHLL